The following is an entry in ClinVar:

ClinVar aggregate classification (germline): Pathogenic (1 of 4 stars; one submission).

Conditions:
Pulmonary hypertension, primary, 2. Identifiers: Orphanet 422, MedGen C3888002, MONDO:0014134, OMIM 615342.

gnomAD v4.1: 2 of 1,614,234 alleles (0.00012%); highest among the groups gnomAD compares: Non-Finnish European, 0.00017%; no homozygotes.

Submission:

Labcorp Genetics (formerly Invitae), Labcorp
Classification: Pathogenic for Pulmonary hypertension, primary, 2. Last evaluated: 2024-04-04. Review status: criteria provided, single submitter. Criteria: Invitae Variant Classification Sherloc (09022015). Collection method: clinical testing. Allele origin: germline.
Comment: This sequence change creates a premature translational stop signal (p.Trp24*) in the SMAD9 gene. It is expected to result in an absent or disrupted protein product. Loss-of-function variants in SMAD9 are known to be pathogenic (PMID: 19419974, 31727138). This variant is not present in population databases (gnomAD no frequency). This variant has not been reported in the literature in individuals affected with SMAD9-related conditions. ClinVar contains an entry for this variant (Variation ID: 2195334). For these reasons, this variant has been classified as Pathogenic.

Literature cited by the submitters: PubMed 19419974; PubMed 31727138.

NM_001127217.3(SMAD9):c.71G>A (p.Trp24Ter)

Gene: SMAD9 (SMAD family member 9; minus strand). Cytogenetic location: 13q13.3.
Variant type: single nucleotide variant.
Coding change: c.71G>A on transcript NM_001127217.3 (MANE Select); coding-DNA position 71, G replaced by A.
Protein change: p.Trp24Ter; replaces tryptophan 24 with a stop codon.
Molecular consequence: nonsense.
Genome position (GRCh38, 1-based): chr13:36,879,619, C>T on the plus strand (G>A on the coding strand, the complement: SMAD9 is on the minus strand). VCF-style: chr13-36879619-C-T. GRCh37 (hg19) VCF-style: chr13-37453756-C-T.
Other names: c.71G>A, p.Trp24Ter (NM_001378621.1, NM_005905.6); short protein forms W24*.
Identifiers: ClinVar variation 2195334 (VCV002195334.4), dbSNP rs2500815485, ClinGen allele CA387854156.